The following is an entry in ClinVar:

ClinVar aggregate classification (germline): Conflicting classifications of pathogenicity. Review status: criteria provided, conflicting classifications (1 of 4 stars). 4 submissions from 4 submitters: Uncertain significance (2); Likely benign (2). Last evaluated 2024-07-09.

Conditions:
Epileptic encephalopathy. Identifiers: MedGen C0543888, HP:0200134.

Allele frequency attached by ClinVar (database versions not stated): TOPMed below 0.00001; gnomAD 0.00001; gnomAD exomes 0.00002 and 0.00005; ExAC 0.00006.
gnomAD v4.1: 33 of 1,613,358 alleles (0.002%); highest among the groups gnomAD compares: Admixed American, 0.022%; no homozygotes.

Submissions (4):

Women's Health and Genetics/Laboratory Corporation of America, LabCorp
Classification: Uncertain significance. Last evaluated: 2024-07-09. Review status: criteria provided, single submitter. Criteria: LabCorp Variant Classification Summary - May 2015. Collection method: clinical testing. Allele origin: germline.
Comment: Variant summary: GABBR2 c.1924C>T (p.Arg642Cys) results in a non-conservative amino acid change located in the GPCR family 3, C-terminal domain (IPR017978) of the encoded protein sequence. Five of five in-silico tools predict a damaging effect of the variant on protein function. The variant allele was found at a frequency of 5.2e-05 in 251344 control chromosomes. This frequency is not significantly higher than estimated for a pathogenic variant in GABBR2 causing Early Infantile Epileptic Encephalopathy 59, allowing no conclusion about variant significance. To our knowledge, no occurrence of c.1924C>T in individuals affected with Early Infantile Epileptic Encephalopathy 59 and no experimental evidence demonstrating its impact on protein function have been reported. ClinVar contains an entry for this variant (Variation ID: 833927). Based on the evidence outlined above, the variant was classified as uncertain significance.

Revvity Omics, Revvity
Classification: Uncertain significance. Last evaluated: 2023-03-22. Review status: criteria provided, single submitter. Criteria: ACMG Guidelines, 2015. Collection method: clinical testing. Allele origin: germline.

Labcorp Genetics (formerly Invitae), Labcorp
Classification: Likely benign for Epileptic encephalopathy. Last evaluated: 2022-05-25. Review status: criteria provided, single submitter. Criteria: Invitae Variant Classification Sherloc (09022015). Collection method: clinical testing. Allele origin: germline.

GeneDx
Classification: Likely benign. Last evaluated: 2020-11-13. Review status: criteria provided, single submitter. Criteria: GeneDx Variant Classification Process June 2021. Collection method: clinical testing. Allele origin: germline. Affected: yes.

NM_005458.8(GABBR2):c.1924C>T (p.Arg642Cys)

Gene: GABBR2 (gamma-aminobutyric acid type B receptor subunit 2; minus strand). Cytogenetic location: 9q22.33.
Variant type: single nucleotide variant.
Coding change: c.1924C>T on transcript NM_005458.8 (MANE Select); coding-DNA position 1924, C replaced by T.
Protein change: p.Arg642Cys; replaces arginine 642 with cysteine.
Molecular consequence: missense variant.
Genome position (GRCh38, 1-based): chr9:98,311,175, G>A on the plus strand (C>T on the coding strand, the complement: GABBR2 is on the minus strand). VCF-style: chr9-98311175-G-A. GRCh37 (hg19) VCF-style: chr9-101073457-G-A.
Other names: short protein forms R642C.
Identifiers: ClinVar variation 833927 (VCV000833927.15), dbSNP rs756391068, ClinGen allele CA5152567.
Genomic context (GRCh38, chr9:98,311,175, plus strand): 5'-CATAGACGATGCCAAGCCAGATGGTCATATGGGTGTTCTCACAGTGCTCCAGGAGAGGGC[G>A]GATGGAGATATCCCGTCCTGCTGGGTCCGGCTGTGCAAAGAGAAAACAGAGACTCAGGGA-3'
Protein context (NP_005449.5, residues 632-652): PDPAGRDISI[Arg642Cys]PLLEHCENTH